The following is an entry in ClinVar:

ClinVar aggregate classification (germline): Conflicting classifications of pathogenicity. Review status: criteria provided, conflicting classifications (1 of 4 stars). 3 submissions from 3 submitters: Uncertain significance (2); Likely benign (1). Last evaluated 2026-02-19.

Conditions:
FN1-related disorder. Also called: FN1-related condition.
Glomerulopathy with fibronectin deposits 2 (GFND2). Identifiers: Orphanet 84090, MedGen C1866075, MONDO:0011165, OMIM 601894.

Allele frequency attached by ClinVar (database versions not stated): TOPMed below 0.00001; gnomAD 0.00001.
gnomAD v4.1: 11 of 1,613,416 alleles (0.00068%); highest among the groups gnomAD compares: African/African-American, 0.004%; no homozygotes.

Submissions (3):

Centre for Medical Genetics,  Mumbai
Classification: Likely benign for Glomerulopathy with fibronectin deposits 2. Last evaluated: 2026-02-19. Review status: criteria provided, single submitter. Criteria: ACMG Guidelines, 2015. Collection method: provider interpretation. Allele origin: germline. Inheritance: Autosomal dominant inheritance. Affected: no. Observed: 1 heterozygote.
Comment: The variant satisfies PM2 criteria; Extremely low frequency in gnomAD population databases. The variant satisfies BP4 criteria; For a missense or a splice region variant, computational prediction tools unanimously support a benign effect on the gene. However, the variant satisfies BS2 criteria.

PreventionGenetics, part of Exact Sciences
Classification: Uncertain significance for FN1-related condition. Last evaluated: 2025-03-26. Review status: criteria provided, single submitter. Criteria: ACMG Guidelines, 2015. Collection method: clinical testing. Allele origin: germline.
Comment: The FN1 c.6220G>A variant is predicted to result in the amino acid substitution p.Glu2074Lys. To our knowledge, this variant has not been reported in the literature. This variant is reported in 0.0040% of alleles in individuals of African descent in gnomAD. At this time, the clinical significance of this variant is uncertain due to the absence of conclusive functional and genetic evidence.

Labcorp Genetics (formerly Invitae), Labcorp
Classification: Uncertain significance. Last evaluated: 2023-08-04. Review status: criteria provided, single submitter. Criteria: Invitae Variant Classification Sherloc (09022015). Collection method: clinical testing. Allele origin: germline.
Comment: This sequence change replaces glutamic acid, which is acidic and polar, with lysine, which is basic and polar, at codon 2074 of the FN1 protein (p.Glu2074Lys). This variant is present in population databases (no rsID available, gnomAD 0.004%). This variant has not been reported in the literature in individuals affected with FN1-related conditions. ClinVar contains an entry for this variant (Variation ID: 1394514). An algorithm developed to predict the effect of missense changes on protein structure and function (PolyPhen-2) suggests that this variant is likely to be tolerated. In summary, the available evidence is currently insufficient to determine the role of this variant in disease. Therefore, it has been classified as a Variant of Uncertain Significance.

Literature cited by the submitters: PubMed 18268355 (cited by Centre for Medical Genetics,  Mumbai).

NM_212482.4(FN1):c.6220G>A (p.Glu2074Lys)

Gene: FN1 (fibronectin 1; minus strand). Cytogenetic location: 2q35.
Variant type: single nucleotide variant.
Coding change: c.6220G>A on transcript NM_212482.4 (MANE Select); coding-DNA position 6220, G replaced by A.
Protein change: p.Glu2074Lys; replaces glutamic acid 2074 with lysine.
Molecular consequence: missense variant.
Genome position (GRCh38, 1-based): chr2:215,373,349, C>T on the plus strand (G>A on the coding strand, the complement: FN1 is on the minus strand). VCF-style: chr2-215373349-C-T. GRCh37 (hg19) VCF-style: chr2-216238072-C-T.
Other names: c.6220G>A, p.Glu2074Lys (NM_001306129.2); c.5950G>A, p.Glu1984Lys (NM_001306130.2, NM_001365517.2, NM_001365519.2 and 2 more transcripts); c.5677G>A, p.Glu1893Lys (NM_001306131.2, NM_001306132.2, NM_001365523.2 and 2 more transcripts); c.5947G>A, p.Glu1983Lys (NM_001365518.2, NM_001365520.2, NM_001365524.2 and 2 more transcripts); c.6220G>A (NM_212482.2); short protein forms E1984K, E2074K, E1893K, E1983K.
Identifiers: ClinVar variation 1394514 (VCV001394514.10), dbSNP rs1179757867, ClinGen allele CA350468458.